The following is an entry in ClinVar:

ClinVar aggregate classification (germline): Pathogenic (1 of 4 stars; one submission).

Submission:

GeneDx
Classification: Pathogenic. Last evaluated: 2016-05-13. Review status: criteria provided, single submitter. Criteria: GeneDx Variant Classification (06012015). Collection method: clinical testing. Allele origin: germline. Affected: yes.
Comment: The Y571X nonsense variant in the PHEX gene is predicted to cause loss of normal protein function either through protein truncation or nonsense-mediated mRNA decay. It was not observed in approximately 6,500 individuals of European and African American ancestry in the NHLBI Exome Sequencing Project, indicating it is not a common benign variant in these populations. Although this pathogenic variant has not been reported previously to our knowledge, its presence is consistent with a diagnosis of X-linked Hypophosphatemic Rickets.

NM_000444.6(PHEX):c.1713T>G (p.Tyr571Ter)

Genes: PHEX (phosphate regulating endopeptidase homolog X-linked; plus strand), PTCHD1-AS (PTCHD1 antisense RNA (head to head); minus strand). Cytogenetic location: Xp22.11.
Variant type: single nucleotide variant.
Coding change: c.1713T>G on transcript NM_000444.6 (MANE Select); coding-DNA position 1713, T replaced by G.
Protein change: p.Tyr571Ter; replaces tyrosine 571 with a stop codon.
Molecular consequence: nonsense.
Genome position (GRCh38, 1-based): chrX:22,219,048, T>G. VCF-style: chrX-22219048-T-G. GRCh37 (hg19) VCF-style: chrX-22237165-T-G.
Other names: c.1713T>G, p.Tyr571Ter (NM_001282754.2); short protein forms Y571*.
Identifiers: ClinVar variation 280585 (VCV000280585.2), dbSNP rs886041762, ClinGen allele CA10603457.
Genomic context (GRCh38, chrX:22,219,048, plus strand): 5'-TGAGATTCATGCTTGTAATTGTCTCCAAATTATGTATTAATGCCATAGATCTCTGAGTTA[T>G]GGTGCTATAGGAGTAATTGTCGGACATGAATTTACACATGGATTTGATAATAATGGTAAG-3'